The following is an entry in ClinVar:

ClinVar aggregate classification (germline): Likely benign. Review status: criteria provided, multiple submitters, no conflicts (2 of 4 stars). 4 submissions from 4 submitters: Likely benign (4). Last evaluated 2026-03-27.

Conditions:
Cardiovascular phenotype. Identifiers: MedGen CN230736.
Brugada syndrome 8 (BRGDA8). Identifiers: Orphanet 130, MedGen C2751083, MONDO:0013148, OMIM 613123.

Allele frequency attached by ClinVar (database versions not stated): gnomAD 0.00006 and 0.00007; TOPMed 0.00003.

Submissions (4):

Molecular Diagnostic Laboratory for Inherited Cardiovascular Disease, Montreal Heart Institute
Classification: Likely benign. Last evaluated: 2026-03-27. Review status: criteria provided, single submitter. Criteria: ACMG Guidelines, 2015. Collection method: clinical testing. Allele origin: germline. Affected: no.
Comment: BP7

Labcorp Genetics (formerly Invitae), Labcorp
Classification: Likely benign for Brugada syndrome 8. Last evaluated: 2025-03-11. Review status: criteria provided, single submitter. Criteria: Invitae Variant Classification Sherloc (09022015). Collection method: clinical testing. Allele origin: germline.

GeneDx
Classification: Likely benign. Last evaluated: 2021-05-05. Review status: criteria provided, single submitter. Criteria: GeneDx Variant Classification Process June 2021. Collection method: clinical testing. Allele origin: germline. Affected: yes.

Ambry Genetics
Classification: Likely benign for Cardiovascular phenotype. Last evaluated: 2020-09-09. Review status: criteria provided, single submitter. Criteria: Ambry Variant Classification Scheme 2023. Collection method: clinical testing. Allele origin: germline.

NM_005477.3(HCN4):c.258G>A (p.Lys86=)

Gene: HCN4 (hyperpolarization activated cyclic nucleotide gated potassium channel 4; minus strand). Cytogenetic location: 15q24.1.
Variant type: single nucleotide variant.
Coding change: c.258G>A on transcript NM_005477.3 (MANE Select); coding-DNA position 258, G replaced by A.
Protein change: p.Lys86=; no amino-acid change (lysine 86 retained).
Molecular consequence: synonymous variant.
Genome position (GRCh38, 1-based): chr15:73,368,013, C>T on the plus strand (G>A on the coding strand, the complement: HCN4 is on the minus strand). VCF-style: chr15-73368013-C-T. GRCh37 (hg19) VCF-style: chr15-73660354-C-T.
Identifiers: ClinVar variation 1182528 (VCV001182528.13), dbSNP rs1019029244, ClinGen allele CA272700463.